The following is an entry in ClinVar:

NM_003070.5(SMARCA2):c.782G>C (p.Arg261Thr)

Gene: SMARCA2 (SWI/SNF related BAF chromatin remodeling complex subunit ATPase 2; plus strand). Cytogenetic location: 9p24.3.
Variant type: single nucleotide variant.
Coding change: c.782G>C on transcript NM_003070.5 (MANE Select); coding-DNA position 782, G replaced by C.
Protein change: p.Arg261Thr; replaces arginine 261 with threonine.
Molecular consequence: missense variant.
Genome position (GRCh38, 1-based): chr9:2,039,892, G>C. VCF-style: chr9-2039892-G-C. GRCh37 (hg19) VCF-style: chr9-2039892-G-C.
Other names: c.782G>C, p.Arg261Thr (NM_001289396.2, NM_001289397.2, NM_139045.4); short protein forms R261T.
Identifiers: ClinVar variation 2499354 (VCV002499354.1), dbSNP rs747298941, ClinGen allele CA4963004.

ClinVar aggregate classification (germline): Uncertain significance (1 of 4 stars; one submission).

Allele frequency attached by ClinVar (database versions not stated): ExAC 0.00001.

Submission:

GeneDx
Classification: Uncertain significance. Last evaluated: 2022-10-10. Review status: criteria provided, single submitter. Criteria: GeneDx Variant Classification Process June 2021. Collection method: clinical testing. Allele origin: germline. Affected: yes.
Comment: In silico analysis supports that this missense variant does not alter protein structure/function; Has not been previously published as pathogenic or benign to our knowledge